The following is an entry in ClinVar:

ClinVar aggregate classification (germline): Uncertain significance. Review status: criteria provided, multiple submitters, no conflicts (2 of 4 stars). 2 submissions from 2 submitters: Uncertain significance (2). Last evaluated 2025-12-08.

Conditions:
Inborn genetic diseases. Identifiers: MedGen C0950123, MeSH D030342.

Allele frequency attached by ClinVar (database versions not stated): gnomAD exomes 0.00001 and 0.00002; ExAC 0.00002.
gnomAD v4.1: 6 of 1,614,082 alleles (0.00037%); highest among the groups gnomAD compares: South Asian, 0.0022%; no homozygotes.

Submissions (2):

Labcorp Genetics (formerly Invitae), Labcorp
Classification: Uncertain significance. Last evaluated: 2025-12-08. Review status: criteria provided, single submitter. Criteria: Invitae Variant Classification Sherloc (09022015). Collection method: clinical testing. Allele origin: germline.
Comment: This sequence change replaces lysine, which is basic and polar, with threonine, which is neutral and polar, at codon 53 of the SAMD9L protein (p.Lys53Thr). This variant is present in population databases (rs760961972, gnomAD 0.003%). This variant has not been reported in the literature in individuals affected with SAMD9L-related conditions. ClinVar contains an entry for this variant (Variation ID: 1022428). An algorithm developed to predict the effect of missense changes on protein structure and function (PolyPhen-2) suggests that this variant is likely to be tolerated. In summary, the available evidence is currently insufficient to determine the role of this variant in disease. Therefore, it has been classified as a Variant of Uncertain Significance.

Ambry Genetics
Classification: Uncertain significance for Inborn genetic diseases. Last evaluated: 2025-04-12. Review status: criteria provided, single submitter. Criteria: Ambry Variant Classification Scheme 2023. Collection method: clinical testing. Allele origin: germline.
Comment: The p.K53T variant (also known as c.158A>C), located in coding exon 1 of the SAMD9L gene, results from an A to C substitution at nucleotide position 158. The lysine at codon 53 is replaced by threonine, an amino acid with similar properties. This amino acid position is conserved. In addition, this alteration is predicted to be tolerated by in silico analysis. Based on the available evidence, the clinical significance of this variant remains unclear.

NM_152703.5(SAMD9L):c.158A>C (p.Lys53Thr)

Gene: SAMD9L (sterile alpha motif domain containing 9 like; minus strand). Cytogenetic location: 7q21.2.
Variant type: single nucleotide variant.
Coding change: c.158A>C on transcript NM_152703.5 (MANE Select); coding-DNA position 158, A replaced by C.
Protein change: p.Lys53Thr; replaces lysine 53 with threonine.
Molecular consequence: missense variant.
Genome position (GRCh38, 1-based): chr7:93,135,814, T>G on the plus strand (A>C on the coding strand, the complement: SAMD9L is on the minus strand). VCF-style: chr7-93135814-T-G. GRCh37 (hg19) VCF-style: chr7-92765127-T-G.
Other names: c.158A>C, p.Lys53Thr (NM_001303496.3, NM_001303497.3, NM_001303498.3 and 5 more transcripts); c.158A>C (NM_152703.2); short protein forms K53T.
Identifiers: ClinVar variation 1022428 (VCV001022428.7), dbSNP rs760961972, ClinGen allele CA4343924.
Genomic context (GRCh38, chr7:93,135,814, plus strand): 5'-TTGTATGAACGTTTTATCAAAAGTGCTGGACCCCATGGTAGCCCCATTTCTACAAGGTCC[T>G]TCTCAGTTAATTCCTGCAGGACTAATCCTGTTACTTCTTCACTGAGCAGAATTTGCCCGT-3'
Protein context (NP_689916.2, residues 43-63): TGLVLQELTE[Lys53Thr]DLVEMGLPWG